The following is an entry in ClinVar:

NM_001174096.2(ZEB1):c.130G>T (p.Glu44Ter)

Gene: ZEB1 (zinc finger E-box binding homeobox 1; plus strand). Cytogenetic location: 10p11.22.
Variant type: single nucleotide variant.
Coding change: c.130G>T on transcript NM_001174096.2 (MANE Select); coding-DNA position 130, G replaced by T.
Protein change: p.Glu44Ter; replaces glutamic acid 44 with a stop codon.
Molecular consequence: nonsense. On other transcripts: 5 prime UTR variant (28), intron variant (3).
Genome position (GRCh38, 1-based): chr10:31,461,108, G>T. VCF-style: chr10-31461108-G-T. GRCh37 (hg19) VCF-style: chr10-31750037-G-T.
Other names: c.79G>T, p.Glu27Ter (NM_001128128.3, NM_001174094.2, NM_001323678.2); c.130G>T, p.Glu44Ter (NM_001174093.2, NM_001323674.2, NM_030751.6); c.-528G>T (NM_001323638.2, NM_001323642.2, NM_001323643.2 and 10 more transcripts); c.-525G>T (NM_001323641.2, NM_001323645.2, NM_001323647.2 and 10 more transcripts); c.-465G>T (NM_001323648.2, NM_001323666.2); c.88G>T, p.Glu30Ter (NM_001323675.2, NM_001323676.2, NM_001323677.2); c.-395-34671G>T (NM_001323644.2); c.59-34671G>T (NM_001174095.2); and 1 more; short protein forms E44*, E27*, E30*.
Identifiers: ClinVar variation 5007710 (VCV005007710.2).

ClinVar aggregate classification (germline): Likely pathogenic (1 of 4 stars; one submission).

Conditions:
Corneal dystrophy, Fuchs endothelial, 6 (FECD6). Identifiers: Orphanet 98974, MedGen C2750448, MONDO:0013206, OMIM 613270.
Posterior polymorphous corneal dystrophy 3 (PPCD3). Identifiers: Orphanet 98973, MedGen C1836724, MONDO:0012200, OMIM 609141.

Submission:

Juno Genomics, Hangzhou Juno Genomics, Inc
Classification: Likely pathogenic for Corneal dystrophy, Fuchs endothelial, 6; Posterior polymorphous corneal dystrophy 3. Review status: criteria provided, single submitter. Criteria: ACMG Guidelines, 2015. Collection method: clinical testing. Allele origin: germline.
Comment: Null variant in a gene where loss of function (LOF) is a known mechanism of disease.;Absent from controls (or at extremely low frequency if recessive) in Genome Aggregation Database.